The following is an entry in ClinVar:

ClinVar aggregate classification (germline): Uncertain significance. Review status: criteria provided, multiple submitters, no conflicts (2 of 4 stars). 2 submissions from 2 submitters: Uncertain significance (2). Last evaluated 2024-05-31.

Conditions:
Hereditary cancer-predisposing syndrome. Also called: Neoplastic Syndromes, Hereditary; Hereditary neoplastic syndrome; Tumor predisposition; Hereditary Cancer Syndrome. Identifiers: Orphanet 140162, MedGen C0027672, MeSH D009386, MONDO:0015356.
Retinoblastoma (RB1). Also called: RETINOBLASTOMA, SOMATIC. Identifiers: Orphanet 790, MedGen C0035335, MeSH D012175, MONDO:0008380, OMIM 180200, HP:0009919. Disease mechanism: loss of function. Inheritance: Both sporadic and heritable forms are tested..

Submissions (2):

Ambry Genetics
Classification: Uncertain significance for Hereditary cancer-predisposing syndrome. Last evaluated: 2024-05-31. Review status: criteria provided, single submitter. Criteria: Ambry Variant Classification Scheme 2023. Collection method: clinical testing. Allele origin: germline.
Comment: The p.N522H variant (also known as c.1564A>C), located in coding exon 17 of the RB1 gene, results from an A to C substitution at nucleotide position 1564. The asparagine at codon 522 is replaced by histidine, an amino acid with similar properties. This amino acid position is not well conserved in available vertebrate species. In addition, this alteration is predicted to be tolerated by in silico analysis. Based on the available evidence, the clinical significance of this variant remains unclear.

Labcorp Genetics (formerly Invitae), Labcorp
Classification: Uncertain significance for Retinoblastoma. Last evaluated: 2022-05-27. Review status: criteria provided, single submitter. Criteria: Invitae Variant Classification Sherloc (09022015). Collection method: clinical testing. Allele origin: germline.
Comment: In summary, the available evidence is currently insufficient to determine the role of this variant in disease. Therefore, it has been classified as a Variant of Uncertain Significance. This sequence change replaces asparagine, which is neutral and polar, with histidine, which is basic and polar, at codon 522 of the RB1 protein (p.Asn522His). This variant is not present in population databases (gnomAD no frequency). This variant has not been reported in the literature in individuals affected with RB1-related conditions. Algorithms developed to predict the effect of missense changes on protein structure and function are either unavailable or do not agree on the potential impact of this missense change (SIFT: "Deleterious"; PolyPhen-2: "Possibly Damaging"; Align-GVGD: "Class C0").

NM_000321.3(RB1):c.1564A>C (p.Asn522His)

Gene: RB1 (RB transcriptional corepressor 1; plus strand). Cytogenetic location: 13q14.2.
Variant type: single nucleotide variant.
Coding change: c.1564A>C on transcript NM_000321.3 (MANE Select); coding-DNA position 1564, A replaced by C.
Protein change: p.Asn522His; replaces asparagine 522 with histidine.
Molecular consequence: missense variant.
Genome position (GRCh38, 1-based): chr13:48,381,312, A>C. VCF-style: chr13-48381312-A-C. GRCh37 (hg19) VCF-style: chr13-48955448-A-C.
Other names: c.1564A>C, p.Asn522His (NM_001407165.1, NM_001407166.1); short protein forms N522H.
Identifiers: ClinVar variation 1999632 (VCV001999632.5), dbSNP rs2138145139, ClinGen allele CA388163532.